The following is an entry in ClinVar:

NM_014991.6(WDFY3):c.1495G>A (p.Val499Met)

Gene: WDFY3 (WD repeat and FYVE domain containing 3; minus strand). Cytogenetic location: 4q21.23.
Variant type: single nucleotide variant.
Coding change: c.1495G>A on transcript NM_014991.6 (MANE Select); coding-DNA position 1495, G replaced by A.
Protein change: p.Val499Met; replaces valine 499 with methionine.
Molecular consequence: missense variant.
Genome position (GRCh38, 1-based): chr4:84,821,180, C>T on the plus strand (G>A on the coding strand, the complement: WDFY3 is on the minus strand). VCF-style: chr4-84821180-C-T. GRCh37 (hg19) VCF-style: chr4-85742333-C-T.
Other names: short protein forms V499M.
Identifiers: ClinVar variation 4999925 (VCV004999925.1).

ClinVar aggregate classification (germline): Uncertain significance (1 of 4 stars; one submission).

Conditions:
WDFY3-related disorder.

gnomAD v4.1: 2 of 1,613,694 alleles (0.00012%); highest among the groups gnomAD compares: Non-Finnish European, 0.00017%; no homozygotes.

Submission:

PreventionGenetics, part of Exact Sciences
Classification: Uncertain significance for WDFY3-related condition. Last evaluated: 2025-03-13. Review status: criteria provided, single submitter. Criteria: ACMG Guidelines, 2015. Collection method: clinical testing. Allele origin: germline.
Comment: The WDFY3 c.1495G>A variant is predicted to result in the amino acid substitution p.Val499Met. To our knowledge, this variant has not been reported in the literature or in a large population database (gnomAD), indicating this variant is rare. At this time, the clinical significance of this variant is uncertain due to the absence of conclusive functional and genetic evidence.